The following is an entry in ClinVar:

NM_005566.4(LDHA):c.467dup (p.Asn156fs)

Gene: LDHA (lactate dehydrogenase A; plus strand). Cytogenetic location: 11p15.1.
Variant type: Duplication.
Coding change: c.467dup on transcript NM_005566.4 (MANE Select); coding-DNA position 467, one base duplicated (A; older notation c.467dupA).
Protein change: p.Asn156fs; shifts the reading frame from asparagine 156.
Molecular consequence: frameshift variant. On other transcripts: non-coding transcript variant (1).
Genome position (GRCh38, 1-based): chr11:18,402,888, A duplicated; the last of 5 consecutive A bases (chr11:18,402,884-18,402,888); duplicating any one gives the same sequence. VCF-style (leftmost placement, unchanged base first): chr11-18402883-C-CA. GRCh37 (hg19) VCF-style: chr11-18424430-C-CA.
Other names: c.293dup, p.Asn98fs (NM_001135239.2); c.554dup, p.Asn185fs (NM_001165414.2); c.467dup, p.Asn156fs (NM_001165415.2, NM_001165416.2); short protein forms N156fs, N185fs, N98fs.
Identifiers: ClinVar variation 4807073 (VCV004807073.1).

ClinVar aggregate classification (germline): Pathogenic (1 of 4 stars; one submission).

Conditions:
Glycogen storage disease due to lactate dehydrogenase M-subunit deficiency (GSD11). Also called: Glycogen storage disease XI; GSD XI; LACTATE DEHYDROGENASE A DEFICIENCY. Identifiers: Orphanet 284426, MedGen C2931743, MONDO:0013047, OMIM 612933.

Submission:

Labcorp Genetics (formerly Invitae), Labcorp
Classification: Pathogenic for Glycogen storage disease due to lactate dehydrogenase M-subunit deficiency. Last evaluated: 2025-09-30. Review status: criteria provided, single submitter. Criteria: Invitae Variant Classification Sherloc (09022015). Collection method: clinical testing. Allele origin: germline.
Comment: This sequence change creates a premature translational stop signal (p.Asn156Lysfs*66) in the LDHA gene. It is expected to result in an absent or disrupted protein product. Loss-of-function variants in LDHA are known to be pathogenic (PMID: 1959923). This variant is not present in population databases (gnomAD no frequency). This variant has not been reported in the literature in individuals affected with LDHA-related conditions. For these reasons, this variant has been classified as Pathogenic.

Literature cited by the submitters: PubMed 1959923.